The following is an entry in ClinVar:

NM_001378454.1(ALMS1):c.8950C>G (p.His2984Asp)

Gene: ALMS1 (ALMS1 centrosome and basal body associated protein; plus strand). Cytogenetic location: 2p13.1.
Variant type: single nucleotide variant.
Coding change: c.8950C>G on transcript NM_001378454.1 (MANE Select); coding-DNA position 8950, C replaced by G.
Protein change: p.His2984Asp; replaces histidine 2984 with aspartic acid.
Molecular consequence: missense variant.
Genome position (GRCh38, 1-based): chr2:73,490,909, C>G. VCF-style: chr2-73490909-C-G. GRCh37 (hg19) VCF-style: chr2-73718036-C-G.
Other names: c.8953C>G, p.His2985Asp (NM_015120.4); short protein forms H2985D, H2984D.
Identifiers: ClinVar variation 5000235 (VCV005000235.1).

ClinVar aggregate classification (germline): Uncertain significance (1 of 4 stars; one submission).

Conditions:
ALMS1-related disorder. Also called: ALMS1-related condition.

Submission:

PreventionGenetics, part of Exact Sciences
Classification: Uncertain significance for ALMS1-related condition. Last evaluated: 2025-04-02. Review status: criteria provided, single submitter. Criteria: ACMG Guidelines, 2015. Collection method: clinical testing. Allele origin: germline.
Comment: The ALMS1 c.8953C>G variant is predicted to result in the amino acid substitution p.Pro2985Ala. To our knowledge, this variant has not been reported in the literature or in a large population database (gnomAD), indicating this variant is rare. At this time, the clinical significance of this variant is uncertain due to the absence of conclusive functional and genetic evidence.